The following is an entry in ClinVar:

ClinVar aggregate classification (germline): Likely pathogenic (1 of 4 stars; one submission).

Conditions:
Familial hypokalemia-hypomagnesemia (GTLMNS). Also called: HYPOMAGNESEMIA-HYPOKALEMIA, PRIMARY RENOTUBULAR, WITH HYPOCALCIURIA; POTASSIUM AND MAGNESIUM DEPLETION; gitelman syndrome. Identifiers: Orphanet 358, MedGen C0268450, MONDO:0009904, OMIM 263800.

Submission:

MVZ Medizinische Genetik Mainz
Classification: Likely pathogenic for Familial hypokalemia-hypomagnesemia. Last evaluated: 2024-01-09. Review status: criteria provided, single submitter. Criteria: UK Practice Guidelines For Variant Classification V4 01 2020. Collection method: clinical testing. Allele origin: germline. Inheritance: Autosomal recessive inheritance. Affected: yes. Observed: 1 variant allele.
Comment: ACMG Criteria: PVS1_STR,PS1_SUP,PM2_SUP,PM3_SUP,PP4

NM_001126108.2(SLC12A3):c.1825+1G>C

Gene: SLC12A3 (solute carrier family 12 member 3; plus strand). Cytogenetic location: 16q13.
Variant type: single nucleotide variant.
Coding change: c.1825+1G>C on transcript NM_001126108.2 (MANE Select); the canonical splice donor site of the intron after coding-DNA position 1825, G replaced by C.
Molecular consequence: splice donor variant.
Genome position (GRCh38, 1-based): chr16:56,884,205, G>C. VCF-style: chr16-56884205-G-C. GRCh37 (hg19) VCF-style: chr16-56918117-G-C.
Other names: c.1825+1G>C (NM_000339.3); c.1822+1G>C (NM_001126107.2, NM_001410896.1).
Identifiers: ClinVar variation 3068413 (VCV003068413.1), dbSNP rs2543515886, ClinGen allele CA395991133.